The following is an entry in ClinVar:

ClinVar aggregate classification (germline): Conflicting classifications of pathogenicity. Review status: criteria provided, conflicting classifications (1 of 4 stars). 8 submissions from 8 submitters: Uncertain significance (5); Likely benign (3). Last evaluated 2026-01-27.

Conditions:
Intrauterine growth retardation, metaphyseal dysplasia, adrenal hypoplasia congenita, genital anomalies, and immunodeficiency. Also called: IMAGEI SYNDROME. Identifiers: MedGen C5193036, MONDO:0032684, OMIM 618336.
Facial dysmorphism-immunodeficiency-livedo-short stature syndrome. Also called: Facial dysmorphism, immunodeficiency, livedo, and short stature; FILS syndrome. Identifiers: Orphanet 352712, MedGen C3554576, MONDO:0014058, OMIM 615139.
Colorectal cancer, susceptibility to, 12 (CRCS12). Also called: COLORECTAL CANCER, SUSCEPTIBILITY TO, ON CHROMOSOME 12q24. Identifiers: Orphanet 220460, MedGen C3554460, MONDO:0014038, OMIM 615083.
POLE-related disorder. Also called: POLE-related disorders; POLE-related condition.
Hereditary cancer-predisposing syndrome. Also called: Neoplastic Syndromes, Hereditary; Hereditary neoplastic syndrome; Hereditary Cancer Syndrome; Tumor predisposition. Identifiers: Orphanet 140162, MedGen C0027672, MeSH D009386, MONDO:0015356.

Allele frequency attached by ClinVar (database versions not stated): gnomAD 0.00001 and 0.00002; TOPMed 0.00005; ESP Exome Variant Server 0.00008; ExAC 0.00011; 1000 Genomes Project 0.00020; 1000 Genomes Project 30x 0.00031.
gnomAD v4.1: 77 of 1,614,082 alleles (0.0048%); highest among the groups gnomAD compares: Admixed American, 0.037%; 1 homozygote.

Submissions (9):

Labcorp Genetics (formerly Invitae), Labcorp
Classification: Uncertain significance. Last evaluated: 2026-01-27. Review status: criteria provided, single submitter. Criteria: Invitae Variant Classification Sherloc (09022015). Collection method: clinical testing. Allele origin: germline.
Comment: This sequence change replaces alanine, which is neutral and non-polar, with valine, which is neutral and non-polar, at codon 1967 of the POLE protein (p.Ala1967Val). This variant is present in population databases (rs201273415, gnomAD 0.04%). This variant has not been reported in the literature in individuals affected with POLE-related conditions. ClinVar contains an entry for this variant (Variation ID: 246263). An algorithm developed to predict the effect of missense changes on protein structure and function outputs the following: PolyPhen-2: "Benign". The valine amino acid residue is found in multiple mammalian species, which suggests that this missense change does not adversely affect protein function. In summary, the available evidence is currently insufficient to determine the role of this variant in disease. Therefore, it has been classified as a Variant of Uncertain Significance.

GeneDx
Classification: Uncertain significance. Last evaluated: 2025-08-03. Review status: criteria provided, single submitter. Criteria: GeneDx Variant Classification Process June 2021. Collection method: clinical testing. Allele origin: germline. Affected: yes.
Comment: In silico analysis suggests that this missense variant does not alter protein structure/function; Has not been previously published as pathogenic or benign to our knowledge; This variant is associated with the following publications: (PMID: 23359684, 25228659, 24265153, 26110843, 28912153, 32546565)

PreventionGenetics, part of Exact Sciences
Classification: Uncertain significance for POLE-related condition. Last evaluated: 2025-06-29. Review status: criteria provided, single submitter. Criteria: ACMG Guidelines, 2015. Collection method: clinical testing. Allele origin: germline.
Comment: The POLE c.5900C>T variant is predicted to result in the amino acid substitution p.Ala1967Val. To our knowledge, this variant has not been reported in individuals with POLE-related disease. This variant is reported in 0.052% of alleles in individuals of Latino descent in gnomAD and has conflicting interpretations in ClinVar of uncertain and likely benign (Variation ID: 246263). At this time, the clinical significance of this variant is uncertain due to the absence of conclusive functional and genetic evidence.

Dasa
Classification: Uncertain significance. Last evaluated: 2025-05-06. Review status: criteria provided, single submitter. Criteria: DASA Assertion Criteria. Collection method: clinical testing. Allele origin: germline.
Comment: NM_006231.4(POLE):c.5900C>T (p.Ala1967Val) is a missense variant that results in the substitution of alanine with valine. This variant is rare in population databases. Computational prediction algorithms are consistent with a benign effect. The currently available literature and clinical evidence are not sufficient to establish a definitive association between this variant and the reported condition. Therefore, this variant is classified as a variant of uncertain significance.

Ambry Genetics
Classification: Likely benign for Hereditary cancer-predisposing syndrome. Last evaluated: 2024-10-17. Review status: criteria provided, single submitter. Criteria: Ambry Variant Classification Scheme 2023. Collection method: clinical testing. Allele origin: germline.

Fulgent Genetics
Classification: Uncertain significance for Colorectal cancer, susceptibility to, 12; Facial dysmorphism-immunodeficiency-livedo-short stature syndrome; Intrauterine growth retardation, metaphyseal dysplasia, adrenal hypoplasia congenita, genital anomalies, and immunodeficiency. Last evaluated: 2023-12-28. Review status: criteria provided, single submitter. Criteria: ACMG Guidelines, 2015. Collection method: clinical testing. Allele origin: germline.

Sema4
Classification: Likely benign for Hereditary cancer-predisposing syndrome. Last evaluated: 2021-04-19. Review status: criteria provided, single submitter. Criteria: Sema4 Curation Guidelines. Collection method: curation. Allele origin: germline.

Mendelics
Classification: Likely benign for Colorectal cancer, susceptibility to, 12. Last evaluated: 2019-05-28. Review status: criteria provided, single submitter. Criteria: Mendelics Assertion Criteria 2017. Collection method: clinical testing. Allele origin: unknown.

Dr. Peter K. Rogan Lab, Western University
No classification provided (evidence only). Condition: Gastric cancer. Review status: no classification provided. Collection method: in vitro. Allele origin: not applicable. Functional consequence: retained intron. Not counted in ClinVar's aggregate classification.

NM_006231.4(POLE):c.5900C>T (p.Ala1967Val)

Gene: POLE (DNA polymerase epsilon, catalytic subunit; minus strand). Cytogenetic location: 12q24.33.
Variant type: single nucleotide variant.
Coding change: c.5900C>T on transcript NM_006231.4 (MANE Select); coding-DNA position 5900, C replaced by T.
Protein change: p.Ala1967Val; replaces alanine 1967 with valine.
Molecular consequence: missense variant.
Genome position (GRCh38, 1-based): chr12:132,634,290, G>A on the plus strand (C>T on the coding strand, the complement: POLE is on the minus strand). VCF-style: chr12-132634290-G-A. GRCh37 (hg19) VCF-style: chr12-133210876-G-A.
Other names: short protein forms A1967V.
Identifiers: ClinVar variation 246263 (VCV000246263.29), dbSNP rs201273415, ClinGen allele CA6892343.